The following is an entry in ClinVar:

ClinVar aggregate classification (germline): Pathogenic (1 of 4 stars; one submission).

Conditions:
Hereditary breast ovarian cancer syndrome. Also called: Hereditary breast and ovarian cancer syndrome (HBOC); Breast and ovarian cancer; Hereditary breast and ovarian cancer syndrome; Hereditary breast and/or ovarian cancer syndrome; Hereditary breast and ovarian cancer; BRCA1- and BRCA2-Associated Hereditary Breast and Ovarian Cancer. Identifiers: Orphanet 145, MedGen C0677776, MeSH D061325, MONDO:0003582. Disease mechanism: loss of function.

Submission:

Labcorp Genetics (formerly Invitae), Labcorp
Classification: Pathogenic for Hereditary breast ovarian cancer syndrome. Last evaluated: 2021-04-13. Review status: criteria provided, single submitter. Criteria: Invitae Variant Classification Sherloc (09022015). Collection method: clinical testing. Allele origin: germline.
Comment: This variant has not been reported in the literature in individuals with BRCA2-related conditions. For these reasons, this variant has been classified as Pathogenic. This variant is not present in population databases (ExAC no frequency). This sequence change creates a premature translational stop signal (p.Gly934*) in the BRCA2 gene. It is expected to result in an absent or disrupted protein product. Loss-of-function variants in BRCA2 are known to be pathogenic (PMID: 20104584).

Literature cited by the submitters: PubMed 20104584.

NM_000059.4(BRCA2):c.2799_2800del (p.Thr933_Gly934insTer)

Gene: BRCA2 (BRCA2 DNA repair associated; plus strand). Cytogenetic location: 13q13.1.
Variant type: Deletion.
Coding change: c.2799_2800del on transcript NM_000059.4 (MANE Select); coding-DNA positions 2799 to 2800, 2 bases deleted (AG; older notation c.2799_2800delAG).
Protein change: p.Thr933_Gly934insTer.
Molecular consequence: frameshift variant.
Genome position (GRCh38, 1-based): chr13:32,337,154-32,337,155, AG deleted. VCF-style (leftmost placement, unchanged base first): chr13-32337153-CAG-C. GRCh37 (hg19) VCF-style: chr13-32911290-CAG-C.
Identifiers: ClinVar variation 1411190 (VCV001411190.6), dbSNP rs2137490046, ClinGen allele CA2573149405.
Genomic context (GRCh38, chr13:32,337,153, plus strand): 5'-ACTTGACTTGTGTAAACGAACCCATTTTCAAGAACTCTACCATGGTTTTATATGGAGACA[CAG>C]GTGATAAACAAGCAACCCAAGTGTCAATTAAAAAAGATTTGGTTTATGTTCTTGCAGAGG-3'